The following is an entry in ClinVar:

NM_000059.4(BRCA2):c.3367A>G (p.Ser1123Gly)

Gene: BRCA2 (BRCA2 DNA repair associated; plus strand). Cytogenetic location: 13q13.1.
Variant type: single nucleotide variant.
Coding change: c.3367A>G on transcript NM_000059.4 (MANE Select); coding-DNA position 3367, A replaced by G.
Protein change: p.Ser1123Gly; replaces serine 1123 with glycine.
Molecular consequence: missense variant.
Genome position (GRCh38, 1-based): chr13:32,337,722, A>G. VCF-style: chr13-32337722-A-G. GRCh37 (hg19) VCF-style: chr13-32911859-A-G.
Other names: short protein forms S1123G.
Identifiers: ClinVar variation 51455 (VCV000051455.20), dbSNP rs80358581, ClinGen allele CA017884.

ClinVar aggregate classification (germline): Conflicting classifications of pathogenicity. Review status: criteria provided, conflicting classifications (1 of 4 stars). 7 submissions from 7 submitters: Uncertain significance (5); Likely benign (1). 1 of the submissions does not count toward it. Last evaluated 2024-03-01.

Conditions:
Hereditary breast ovarian cancer syndrome. Also called: Hereditary breast and ovarian cancer syndrome; Hereditary breast and ovarian cancer; Hereditary breast and ovarian cancer syndrome (HBOC); Breast and ovarian cancer; Hereditary breast and/or ovarian cancer syndrome; BRCA1- and BRCA2-Associated Hereditary Breast and Ovarian Cancer. Identifiers: Orphanet 145, MedGen C0677776, MeSH D061325, MONDO:0003582. Disease mechanism: loss of function.
Breast-ovarian cancer, familial, susceptibility to, 2 (BROVCA2). Also called: BRCA2 Hereditary Breast and Ovarian Cancer. Identifiers: Orphanet 145, MedGen C2675520, MONDO:0012933, OMIM 612555. Disease mechanism: loss of function.
Hereditary cancer-predisposing syndrome. Also called: Neoplastic Syndromes, Hereditary; Tumor predisposition; Hereditary Cancer Syndrome; Hereditary neoplastic syndrome. Identifiers: Orphanet 140162, MedGen C0027672, MeSH D009386, MONDO:0015356.

Allele frequency attached by ClinVar (database versions not stated): gnomAD exomes below 0.00001.
gnomAD v4.1: 2 of 1,613,308 alleles (0.00012%); highest among the groups gnomAD compares: Middle Eastern, 0.033%; no homozygotes.

Submissions (7):

GeneDx
Classification: Uncertain significance. Last evaluated: 2024-03-01. Review status: criteria provided, single submitter. Criteria: GeneDx Variant Classification Process June 2021. Collection method: clinical testing. Allele origin: germline. Affected: yes.
Comment: Published functional studies suggest a neutral effect: cell viability and drug sensitivity comparable to wild type (PMID: 37922907); Not observed at significant frequency in large population cohorts (gnomAD); In silico analysis supports that this missense variant has a deleterious effect on protein structure/function; Also known as 3595A>G; This variant is associated with the following publications: (PMID: 25556971, 29884841, 32377563, 30199306, 37922907)

Labcorp Genetics (formerly Invitae), Labcorp
Classification: Uncertain significance for Hereditary breast ovarian cancer syndrome. Last evaluated: 2023-10-10. Review status: criteria provided, single submitter. Criteria: Invitae Variant Classification Sherloc (09022015). Collection method: clinical testing. Allele origin: germline.
Comment: This sequence change replaces serine, which is neutral and polar, with glycine, which is neutral and non-polar, at codon 1123 of the BRCA2 protein (p.Ser1123Gly). This variant is not present in population databases (gnomAD no frequency). This missense change has been observed in individual(s) with hereditary breast and/or ovarian cancer (PMID: 25556971, 30199306). ClinVar contains an entry for this variant (Variation ID: 51455). Advanced modeling of protein sequence and biophysical properties (such as structural, functional, and spatial information, amino acid conservation, physicochemical variation, residue mobility, and thermodynamic stability) performed at Invitae indicates that this missense variant is not expected to disrupt BRCA2 protein function. In summary, the available evidence is currently insufficient to determine the role of this variant in disease. Therefore, it has been classified as a Variant of Uncertain Significance.

KCCC/NGS Laboratory, Kuwait Cancer Control Center
Classification: Uncertain significance for Breast-ovarian cancer, familial, susceptibility to, 2. Last evaluated: 2023-06-06. Review status: criteria provided, single submitter. Criteria: ACMG Guidelines, 2015. Collection method: clinical testing. Allele origin: germline. Affected: yes.
Comment: A variant of uncertain significance was detected in this sample , This sequence change replaces serine with glycine at codon 1123 of the BRCA2 protein (p.Ser1123Gly). The serine residue is moderate conserved (phyloP100way = 7.17 ) . This variant is not present in population databases (gnomAD). This variant previously reported in ClinVar (ID:51455) in individuals with BRCA2-related conditions. Pathogenic computational verdict based on 8 pathogenic predictions from PolyPhen, DANN, EIGEN, FATHMM-MKL, M-CAP, MVP, MutationTaster and SIFT vs 2 benign predictions from BayesDel_addAF and PrimateAI. . To our knowledge, no experimental evidence demonstrating an impact on protein function has been reported . In summary, the available evidence is currently insufficient to determine the role of this variant in disease. Therefore, it has been classified as a Variant of Uncertain Significance.

University of Washington Department of Laboratory Medicine, University of Washington
Classification: Likely benign for Hereditary cancer-predisposing syndrome. Last evaluated: 2023-03-23. Review status: criteria provided, single submitter. Criteria: Dines et al. (Genet Med. 2020). Collection method: curation. Allele origin: germline.
Comment: Missense variant in a coldspot region where missense variants are very unlikely to be pathogenic (PMID:31911673).

BRCA2 exon 11 coldspot. Reclassification based on statistical prior probability.

ARUP Laboratories, Molecular Genetics and Genomics, ARUP Laboratories
Classification: Uncertain significance. Last evaluated: 2022-04-04. Review status: criteria provided, single submitter. Criteria: ARUP Molecular Germline Variant Investigation Process 2021. Collection method: clinical testing. Allele origin: germline.
Comment: The BRCA2 c.3367A>G; p.Ser1123Gly variant (rs80358581) is reported in the literature in cohorts of individuals with breast cancer or a family history of hereditary breast and ovarian cancer syndrome (Abulkhair 2018, Trujillano 2015). This variant is also reported in ClinVar (Variation ID: 51455). It is absent from the Genome Aggregation Database, indicating it is not a common polymorphism. The serine at codon 1123 is highly conserved but computational analyses are uncertain whether this variant is neutral or deleterious (REVEL: 0.313). Due to limited information, the clinical significance of this variant is uncertain at this time. References: Abulkhair O et al. Prevalence of BRCA1 and BRCA2 Mutations Among High-Risk Saudi Patients With Breast Cancer. J Glob Oncol. 2018 Aug;4:1-9. PMID: 30199306. Trujillano D et al. Next-generation sequencing of the BRCA1 and BRCA2 genes for the genetic diagnostics of hereditary breast and/or ovarian cancer. J Mol Diagn. 2015 Mar;17(2):162-70. PMID: 25556971.

Ambry Genetics
Classification: Uncertain significance for Hereditary cancer-predisposing syndrome. Last evaluated: 2021-12-07. Review status: criteria provided, single submitter. Criteria: Ambry Variant Classification Scheme 2023. Collection method: clinical testing. Allele origin: germline.
Comment: The p.S1123G variant (also known as c.3367A>G), located in coding exon 10 of the BRCA2 gene, results from an A to G substitution at nucleotide position 3367. The serine at codon 1123 is replaced by glycine, an amino acid with similar properties. This alteration was identified in an individual diagnosed with breast cancer (Abulkhair O et al. J Glob Oncol, 2018 08;4:1-9). This amino acid position is highly conserved in available vertebrate species. In addition, the in silico prediction for this alteration is inconclusive. Since supporting evidence is limited at this time, the clinical significance of this alteration remains unclear.

Breast Cancer Information Core (BIC) (BRCA2)
Classification: Uncertain significance for Breast-ovarian cancer, familial 2. Last evaluated: 2002-05-29. Review status: no assertion criteria provided. Collection method: clinical testing. Allele origin: germline. Affected: yes. Observed: 1 variant allele. Not counted in ClinVar's aggregate classification.

Literature cited by the submitters: PubMed 25556971 (cited by Labcorp Genetics (formerly Invitae), Labcorp); PubMed 30199306 (cited by Labcorp Genetics (formerly Invitae), Labcorp and Ambry Genetics).